The following is an entry in ClinVar:

NM_001267550.2(TTN):c.66931_66932del (p.Lys22311fs)

Genes: TTN (titin; minus strand), TTN-AS1 (TTN antisense RNA 1; plus strand). Cytogenetic location: 2q31.2.
Variant type: Deletion.
Coding change: c.66931_66932del on transcript NM_001267550.2 (MANE Select); coding-DNA positions 66931 to 66932, 2 bases deleted (AA; older notation c.66931_66932delAA).
Protein change: p.Lys22311fs; shifts the reading frame from lysine 22311.
Molecular consequence: frameshift variant.
Genome position (GRCh38, 1-based): chr2:178,580,447-178,580,448, TT deleted on the plus strand (AA on the coding strand, the reverse complement: TTN is on the minus strand); deleting any 2 consecutive bases within chr2:178,580,447-178,580,449 gives the same sequence; the c. name uses the placement nearest the transcript's 3' end. VCF-style (leftmost placement, unchanged base first): chr2-178580446-CTT-C. GRCh37 (hg19) VCF-style: chr2-179445173-CTT-C.
Other names: c.62008_62009del, p.Lys20670fs (NM_001256850.1); c.39736_39737del, p.Lys13246fs (NM_003319.4); c.59227_59228del, p.Lys19743fs (NM_133378.4); c.40111_40112del, p.Lys13371fs (NM_133432.3); c.40312_40313del, p.Lys13438fs (NM_133437.4); short protein forms K13438fs, K20670fs, K22311fs, K13371fs, K19743fs, K13246fs.
Identifiers: ClinVar variation 1483904 (VCV001483904.6), dbSNP rs2154176398, ClinGen allele CA2573134186.

ClinVar aggregate classification (germline): Likely pathogenic (1 of 4 stars; one submission).

Conditions:
Dilated cardiomyopathy 1G (CMD1G). Identifiers: Orphanet 154, MedGen C1858763, MONDO:0011400, OMIM 604145.
Autosomal recessive limb-girdle muscular dystrophy type 2J (LGMDR10). Also called: Limb-girdle muscular dystrophy, type 2J; MUSCULAR DYSTROPHY, LIMB-GIRDLE, AUTOSOMAL RECESSIVE 10. Identifiers: Orphanet 140922, MedGen C1837342, MONDO:0012127, OMIM 608807.

Submission:

Labcorp Genetics (formerly Invitae), Labcorp
Classification: Likely pathogenic for Dilated cardiomyopathy 1G; Autosomal recessive limb-girdle muscular dystrophy type 2J. Last evaluated: 2022-10-04. Review status: criteria provided, single submitter. Criteria: Invitae Variant Classification Sherloc (09022015). Collection method: clinical testing. Allele origin: germline.
Comment: This premature translational stop signal has been observed in individual(s) with dilated cardiomyopathy (PMID: 32160020). ClinVar contains an entry for this variant (Variation ID: 1483904). This variant is located in the A band of TTN (PMID: 25589632). Truncating variants in this region are significantly overrepresented in patients affected with dilated cardiomyopathy (PMID: 25589632). Truncating variants in this region have also been reported in individuals affected with autosomal recessive centronuclear myopathy (PMID: 23975875). In summary, the currently available evidence indicates that the variant is pathogenic, but additional data are needed to prove that conclusively. Therefore, this variant has been classified as Likely Pathogenic. This variant is not present in population databases (gnomAD no frequency). This sequence change creates a premature translational stop signal (p.Lys22311Valfs*3) in the TTN gene. While this is not anticipated to result in nonsense mediated decay, it is expected to create a truncated TTN protein.

Literature cited by the submitters: PubMed 32160020; PubMed 25589632; PubMed 23975875.